The following is an entry in ClinVar:

NM_022124.6(CDH23):c.8309-3C>T

Gene: CDH23 (cadherin related 23; plus strand). Cytogenetic location: 10q22.1.
Variant type: single nucleotide variant.
Coding change: c.8309-3C>T on transcript NM_022124.6 (MANE Select); 3 bases into the intron before coding-DNA position 8309, C replaced by T.
Molecular consequence: intron variant.
Genome position (GRCh38, 1-based): chr10:71,807,513, C>T. VCF-style: chr10-71807513-C-T. GRCh37 (hg19) VCF-style: chr10-73567270-C-T.
Other names: c.1589-3C>T (NM_001171933.1, NM_001171934.1).
Identifiers: ClinVar variation 300461 (VCV000300461.14), dbSNP rs371910002, ClinGen allele CA5546621.
Genomic context (GRCh38, chr10:71,807,513, plus strand): 5'-TGACCCACATATGCCCTGCTCCTGGCCCTGCCCCCTCACCCTGTGCCATGATCCCACCCT[C>T]AGCCGGCAACGAAGAGAAGAACTTCCATCTGCAGCCCGATGGGTGTCTGCTGGTGCTGCG-3'

ClinVar aggregate classification (germline): Conflicting classifications of pathogenicity. Review status: criteria provided, conflicting classifications (1 of 4 stars). 6 submissions from 5 submitters: Uncertain significance (4); Likely benign (2). Last evaluated 2025-09-30.

Conditions:
Autosomal recessive nonsyndromic hearing loss 12. Also called: DEAFNESS, AUTOSOMAL RECESSIVE 12. Identifiers: Orphanet 90636, MedGen C1832394, MONDO:0011067, OMIM 601386.
Usher syndrome type 1D (USH1D). Also called: USHER SYNDROME, TYPE ID. Identifiers: Orphanet 231169, Orphanet 886, MedGen C1832845, MONDO:0010984, OMIM 601067.
CDH23-related disorder. Also called: CDH23-related condition; CDH23-related disorders.

Allele frequency attached by ClinVar (database versions not stated): ExAC 0.00008; gnomAD exomes 0.00011 and 0.00030; gnomAD 0.00014 and 0.00015; TOPMed 0.00020; ESP Exome Variant Server 0.00032.
gnomAD v4.1: 454 of 1,613,582 alleles (0.028%); highest among the groups gnomAD compares: Non-Finnish European, 0.037%; no homozygotes.

Submissions (6):

PreventionGenetics, part of Exact Sciences
Classification: Likely benign for CDH23-related condition. Last evaluated: 2025-09-30. Review status: criteria provided, single submitter. Criteria: ACMG Guidelines, 2015. Collection method: clinical testing. Allele origin: germline.
Comment: This variant is classified as likely benign based on ACMG/AMP sequence variant interpretation guidelines (Richards et al. 2015 PMID: 25741868, with internal and published modifications).

Blueprint Genetics
Classification: Uncertain significance. Last evaluated: 2024-10-22. Review status: criteria provided, single submitter. Criteria: ACMG Guidelines, 2015. Collection method: clinical testing. Allele origin: germline.

Labcorp Genetics (formerly Invitae), Labcorp
Classification: Uncertain significance. Last evaluated: 2022-11-03. Review status: criteria provided, single submitter. Criteria: Invitae Variant Classification Sherloc (09022015). Collection method: clinical testing. Allele origin: germline.
Comment: This sequence change falls in intron 58 of the CDH23 gene. It does not directly change the encoded amino acid sequence of the CDH23 protein. It affects a nucleotide within the consensus splice site. This variant is present in population databases (rs371910002, gnomAD 0.02%). This variant has not been reported in the literature in individuals affected with CDH23-related conditions. ClinVar contains an entry for this variant (Variation ID: 300461). Variants that disrupt the consensus splice site are a relatively common cause of aberrant splicing (PMID: 17576681, 9536098). Algorithms developed to predict the effect of sequence changes on RNA splicing suggest that this variant is not likely to affect RNA splicing. In summary, the available evidence is currently insufficient to determine the role of this variant in disease. Therefore, it has been classified as a Variant of Uncertain Significance.

GeneDx
Classification: Likely benign. Last evaluated: 2021-04-09. Review status: criteria provided, single submitter. Criteria: GeneDx Variant Classification Process June 2021. Collection method: clinical testing. Allele origin: germline. Affected: yes.

Illumina Laboratory Services, Illumina
Classification: Uncertain significance for Usher syndrome type 1D. Last evaluated: 2018-01-13. Review status: criteria provided, single submitter. Criteria: ICSL Variant Classification Criteria 13 December 2019. Collection method: clinical testing. Allele origin: germline.

Illumina Laboratory Services, Illumina
Classification: Uncertain significance for Autosomal recessive nonsyndromic hearing loss 12. Last evaluated: 2018-01-13. Review status: criteria provided, single submitter. Criteria: ICSL Variant Classification Criteria 13 December 2019. Collection method: clinical testing. Allele origin: germline.

Literature cited by the submitters: PubMed 17576681 (cited by Labcorp Genetics (formerly Invitae), Labcorp); PubMed 9536098 (cited by Labcorp Genetics (formerly Invitae), Labcorp).